The following is an entry in ClinVar:

NM_198129.4(LAMA3):c.7300_7301del (p.Met2434fs)

Gene: LAMA3 (laminin subunit alpha 3; plus strand). Cytogenetic location: 18q11.2.
Variant type: Microsatellite.
Coding change: c.7300_7301del on transcript NM_198129.4 (MANE Select); coding-DNA positions 7300 to 7301, 2 bases deleted (AT; older notation c.7300_7301delAT).
Protein change: p.Met2434fs; shifts the reading frame from methionine 2434.
Molecular consequence: frameshift variant.
Genome position (GRCh38, 1-based): chr18:23,912,852-23,912,853, AT deleted; deleting any 2 consecutive bases within chr18:23,912,850-23,912,853 gives the same sequence; the c. name uses the placement nearest the transcript's 3' end. VCF-style (leftmost placement, unchanged base first): chr18-23912849-AAT-A. GRCh37 (hg19) VCF-style: chr18-21492813-AAT-A.
Other names: c.2305_2306del, p.Met769fs (NM_001127718.4); c.2473_2474del, p.Met825fs (NM_000227.6); c.7132_7133del, p.Met2378fs (NM_001127717.4); short protein forms M2434fs, M769fs, M825fs, M2378fs.
Identifiers: ClinVar variation 2991095 (VCV002991095.3), dbSNP rs2511459485, ClinGen allele CA2740093987.
Genomic context (GRCh38, chr18:23,912,849, plus strand): 5'-TATACATCTCTGTCCTTGTTTCTCCAAAGGCCCAACTCAAGAGAAAATGGGGGTACTGAG[AAT>A]ATGTTTGTGATGTACCTTGGAAATAAAGATGTAAGTATTGCTTGGACATCTCTCTTGTTT-3'

ClinVar aggregate classification (germline): Pathogenic (1 of 4 stars; one submission).

Submission:

Labcorp Genetics (formerly Invitae), Labcorp
Classification: Pathogenic. Last evaluated: 2023-10-23. Review status: criteria provided, single submitter. Criteria: Invitae Variant Classification Sherloc (09022015). Collection method: clinical testing. Allele origin: germline.
Comment: This sequence change creates a premature translational stop signal (p.Met825Valfs*8) in the LAMA3 gene. It is expected to result in an absent or disrupted protein product. Loss-of-function variants in LAMA3 are known to be pathogenic (PMID: 10366601, 11810295, 12915477, 16473856, 17362460, 22434185, 23869449, 27827380, 28087116). This variant is not present in population databases (gnomAD no frequency). This variant has not been reported in the literature in individuals affected with LAMA3-related conditions. For these reasons, this variant has been classified as Pathogenic.

Literature cited by the submitters: PubMed 10366601; PubMed 11810295; PubMed 12915477; PubMed 16473856; PubMed 17362460; PubMed 22434185; PubMed 23869449; PubMed 27827380; PubMed 28087116.